The following is an entry in ClinVar:

ClinVar aggregate classification (germline): Uncertain significance. Review status: criteria provided, multiple submitters, no conflicts (2 of 4 stars). 2 submissions from 2 submitters: Uncertain significance (2). Last evaluated 2022-11-15.

Conditions:
Inborn genetic diseases. Identifiers: MedGen C0950123, MeSH D030342.

Allele frequency attached by ClinVar (database versions not stated): ExAC 0.00001; gnomAD 0.00001; gnomAD exomes 0.00001; TOPMed 0.00001.
gnomAD v4.1: 15 of 1,614,042 alleles (0.00093%); highest among the groups gnomAD compares: Non-Finnish European, 0.0013%; no homozygotes.

Submissions (2):

Labcorp Genetics (formerly Invitae), Labcorp
Classification: Uncertain significance. Last evaluated: 2022-11-15. Review status: criteria provided, single submitter. Criteria: Invitae Variant Classification Sherloc (09022015). Collection method: clinical testing. Allele origin: germline.
Comment: In summary, the available evidence is currently insufficient to determine the role of this variant in disease. Therefore, it has been classified as a Variant of Uncertain Significance. Algorithms developed to predict the effect of missense changes on protein structure and function are either unavailable or do not agree on the potential impact of this missense change (SIFT: "Not Available"; PolyPhen-2: "Possibly Damaging"; Align-GVGD: "Not Available"). ClinVar contains an entry for this variant (Variation ID: 1407120). This variant has not been reported in the literature in individuals affected with ADAMTS18-related conditions. This variant is present in population databases (rs763344799, gnomAD 0.002%). This sequence change replaces proline, which is neutral and non-polar, with serine, which is neutral and polar, at codon 976 of the ADAMTS18 protein (p.Pro976Ser).

Ambry Genetics
Classification: Uncertain significance for Inborn genetic diseases. Last evaluated: 2022-09-20. Review status: criteria provided, single submitter. Criteria: Ambry Variant Classification Scheme 2023. Collection method: clinical testing. Allele origin: germline.

NM_199355.4(ADAMTS18):c.2926C>T (p.Pro976Ser)

Gene: ADAMTS18 (ADAM metallopeptidase with thrombospondin type 1 motif 18; minus strand). Cytogenetic location: 16q23.1.
Variant type: single nucleotide variant.
Coding change: c.2926C>T on transcript NM_199355.4 (MANE Select); coding-DNA position 2926, C replaced by T.
Protein change: p.Pro976Ser; replaces proline 976 with serine.
Molecular consequence: missense variant.
Genome position (GRCh38, 1-based): chr16:77,295,003, G>A on the plus strand (C>T on the coding strand, the complement: ADAMTS18 is on the minus strand). VCF-style: chr16-77295003-G-A. GRCh37 (hg19) VCF-style: chr16-77328900-G-A.
Other names: c.2410C>T, p.Pro804Ser (NM_001326358.2); c.2926C>T (NM_199355.2); short protein forms P804S, P976S.
Identifiers: ClinVar variation 1407120 (VCV001407120.7), dbSNP rs763344799, ClinGen allele CA8180695.
Genomic context (GRCh38, chr16:77,295,003, plus strand): 5'-TCCATTGTGGAGGGCAGGCATGGCTGTTGCAGGCTTGGACCTGAGTGGGTGTGCTCACTG[G>A]ACAGAGAGAATGCAACACTGCTTCCTCCTTTTGGAAGGGCTTCTTTTGCACACACTGGAT-3'
Protein context (NP_955387.1, residues 966-986): KEEAVLHSLC[Pro976Ser]VSTPTQVQAC